The following is an entry in ClinVar:

ClinVar aggregate classification (germline): Uncertain significance (1 of 4 stars; one submission).

Submission:

Labcorp Genetics (formerly Invitae), Labcorp
Classification: Uncertain significance. Last evaluated: 2021-12-28. Review status: criteria provided, single submitter. Criteria: Invitae Variant Classification Sherloc (09022015). Collection method: clinical testing. Allele origin: germline.
Comment: This variant, c.1045_1047del, results in the deletion of 1 amino acid(s) of the DDB2 protein (p.Asn349del), but otherwise preserves the integrity of the reading frame. This variant is not present in population databases (gnomAD no frequency). In summary, the available evidence is currently insufficient to determine the role of this variant in disease. Therefore, it has been classified as a Variant of Uncertain Significance. Experimental studies and prediction algorithms are not available or were not evaluated, and the functional significance of this variant is currently unknown. This variant has been observed in individual(s) with clinical features of xeroderma pigmentosum (PMID: 10777490, 12812979, 21107348).

Literature cited by the submitters: PubMed 10777490; PubMed 12812979; PubMed 21107348.

NM_000107.3(DDB2):c.1045_1047del (p.Asn349del)

Gene: DDB2 (damage specific DNA binding protein 2; plus strand). Cytogenetic location: 11p11.2.
Variant type: Deletion.
Coding change: c.1045_1047del on transcript NM_000107.3 (MANE Select); coding-DNA positions 1045 to 1047, 3 bases deleted (AAC; older notation c.1045_1047delAAC).
Protein change: p.Asn349del; deletes asparagine 349.
Molecular consequence: inframe deletion. On other transcripts: non-coding transcript variant (2).
Genome position (GRCh38, 1-based): chr11:47,237,858-47,237,860, AAC deleted; deleting any 3 consecutive bases within chr11:47,237,856-47,237,860 gives the same sequence; the c. name uses the placement nearest the transcript's 3' end. VCF-style (leftmost placement, unchanged base first): chr11-47237855-TACA-T. GRCh37 (hg19) VCF-style: chr11-47259406-TACA-T.
Other names: c.478_480del, p.Asn160del (NM_001300734.2, NM_001399876.1); c.1045_1047del, p.Asn349del (NM_001399874.1, NM_001399875.1); c.853_855del, p.Asn285del (NM_001399878.1); short protein forms N349del, N160del, N285del.
Identifiers: ClinVar variation 2137064 (VCV002137064.4), dbSNP rs2540428101, ClinGen allele CA658820958.